The following is an entry in ClinVar:

NM_001042492.3(NF1):c.3441T>C (p.Leu1147=)

Gene: NF1 (neurofibromin 1; plus strand). Cytogenetic location: 17q11.2.
Variant type: single nucleotide variant.
Coding change: c.3441T>C on transcript NM_001042492.3 (MANE Select); coding-DNA position 3441, T replaced by C.
Protein change: p.Leu1147=; no amino-acid change (leucine 1147 retained).
Molecular consequence: synonymous variant.
Genome position (GRCh38, 1-based): chr17:31,232,826, T>C. VCF-style: chr17-31232826-T-C. GRCh37 (hg19) VCF-style: chr17-29559844-T-C.
Other names: c.3441T>C, p.Leu1147= (NM_000267.4).
Identifiers: ClinVar variation 761989 (VCV000761989.11), dbSNP rs747330799, ClinGen allele CA8486165.
Genomic context (GRCh38, chr17:31,232,826, plus strand): 5'-AGGTGGCAGGAAACGTGGCATGTCTCGGAGGCTGGCATCACTGAGGCACTGTACGGTCCT[T>C]GCAATGTCAAACTTACTCAATGCCAACGTAGACAGTGGTCTCATGCACTCCATAGGTGAG-3'
Protein context (NP_001035957.1, residues 1137-1157): RLASLRHCTV[Leu1147=]AMSNLLNANV

ClinVar aggregate classification (germline): Benign/Likely benign. Review status: criteria provided, multiple submitters, no conflicts (2 of 4 stars). 4 submissions from 4 submitters: Benign (1); Likely benign (3). Last evaluated 2026-09-24.

Conditions:
Cardiovascular phenotype. Identifiers: MedGen CN230736.
Hereditary cancer-predisposing syndrome. Also called: Hereditary neoplastic syndrome; Neoplastic Syndromes, Hereditary; Tumor predisposition; Hereditary Cancer Syndrome. Identifiers: Orphanet 140162, MedGen C0027672, MeSH D009386, MONDO:0015356.
Neurofibromatosis, type 1 (NF1). Also called: Neurofibromatosis, type I; Peripheral type neurofibromatosis; VON RECKLINGHAUSEN DISEASE; NEUROFIBROMATOSIS, TYPE I, SOMATIC. Identifiers: Orphanet 636, MedGen C0027831, MONDO:0018975, OMIM 162200. Disease mechanism: loss of function.
Juvenile myelomonocytic leukemia (JMML). Also called: LEUKEMIA, JUVENILE MYELOMONOCYTIC, SOMATIC. Identifiers: Orphanet 86834, MedGen C0349639, MONDO:0011908, OMIM 607785, HP:0012209.
Neurofibromatosis, familial spinal (FSNF). Identifiers: Orphanet 636, MedGen C1834235, MONDO:0008078, OMIM 162210. Disease mechanism: loss of function.
Café-au-lait macules with pulmonary stenosis (WTSN). Also called: PULMONIC STENOSIS WITH CAFE-AU-LAIT SPOTS. Identifiers: MedGen C0553586, MONDO:0008672, OMIM 193520.
Neurofibromatosis-Noonan syndrome (NFNS). Also called: NEUROFIBROMATOSIS WITH NOONAN PHENOTYPE. Identifiers: Orphanet 638, MedGen C2931482, MONDO:0011035, OMIM 601321. Disease mechanism: loss of function.

Allele frequency attached by ClinVar (database versions not stated): gnomAD 0.00002; TOPMed 0.00002; gnomAD exomes below 0.00001; ExAC 0.00001.
gnomAD v4.1: 3 of 1,613,994 alleles (0.00019%); highest among the groups gnomAD compares: African/African-American, 0.004%; no homozygotes.

Submissions (4):

Myriad Genetics, Inc.
Classification: Benign for Neurofibromatosis, type 1. Last evaluated: 2026-09-24. Review status: criteria provided, single submitter. Criteria: Myriad Autosomal Dominant, Autosomal Recessive and X-Linked Classification Criteria (2023). Collection method: clinical testing. Allele origin: unknown.
Comment: This variant is considered benign. This variant is a silent/synonymous amino acid change and it is not expected to impact splicing.

Labcorp Genetics (formerly Invitae), Labcorp
Classification: Likely benign for Neurofibromatosis, type 1. Last evaluated: 2025-09-10. Review status: criteria provided, single submitter. Criteria: Invitae Variant Classification Sherloc (09022015). Collection method: clinical testing. Allele origin: germline.

Fulgent Genetics
Classification: Likely benign for Neurofibromatosis, type 1; Neurofibromatosis, familial spinal; Café-au-lait macules with pulmonary stenosis; Neurofibromatosis-Noonan syndrome; Juvenile myelomonocytic leukemia. Last evaluated: 2021-12-18. Review status: criteria provided, single submitter. Criteria: ACMG Guidelines, 2015. Collection method: clinical testing. Allele origin: unknown.

Ambry Genetics
Classification: Likely benign for Cardiovascular phenotype; Hereditary cancer-predisposing syndrome. Last evaluated: 2021-10-25. Review status: criteria provided, single submitter. Criteria: Ambry Variant Classification Scheme 2023. Collection method: clinical testing. Allele origin: germline.